The following is an entry in ClinVar:

ClinVar aggregate classification (germline): Likely pathogenic (1 of 4 stars; one submission).

Conditions:
Niemann-Pick disease, type C1. Also called: NIEMANN-PICK DISEASE, VARIANT TYPE C1; NEUROVISCERAL STORAGE DISEASE WITH VERTICAL SUPRANUCLEAR OPHTHALMOPLEGIA; NIEMANN-PICK DISEASE WITH CHOLESTEROL ESTERIFICATION BLOCK; NIEMANN-PICK DISEASE WITHOUT SPHINGOMYELINASE DEFICIENCY; NIEMANN-PICK DISEASE, CHRONIC NEURONOPATHIC FORM. Identifiers: Orphanet 646, MedGen C3179455, MONDO:0009757, OMIM 257220.

Submission:

Neuberg Centre For Genomic Medicine, NCGM
Classification: Likely pathogenic for Niemann-Pick disease, type C1. Review status: criteria provided, single submitter. Criteria: ACMG Guidelines, 2015. Collection method: clinical testing. Allele origin: germline. Inheritance: Autosomal recessive inheritance. Affected: yes.
Comment: The stop gained variant c.955G>T (p.Gly319Ter) in the NPC1 gene has not been reported previously as a pathogenic variant nor as a benign variant, to our knowledge. The variant is absent in gnomAD Exomes and 1000 Genomes. This variant is predicted to cause a loss of normal protein function through protein truncation. Loss of function variants has been previously reported to be disease-causing (Dardis et al., 2020). For these reasons, this variant has been classified as Likely Pathogenic.

NM_000271.5(NPC1):c.955G>T (p.Gly319Ter)

Gene: NPC1 (NPC intracellular cholesterol transporter 1; minus strand). Cytogenetic location: 18q11.2.
Variant type: single nucleotide variant.
Coding change: c.955G>T on transcript NM_000271.5 (MANE Select); coding-DNA position 955, G replaced by T.
Protein change: p.Gly319Ter; replaces glycine 319 with a stop codon.
Molecular consequence: nonsense.
Genome position (GRCh38, 1-based): chr18:23,557,117, C>A on the plus strand (G>T on the coding strand, the complement: NPC1 is on the minus strand). VCF-style: chr18-23557117-C-A. GRCh37 (hg19) VCF-style: chr18-21137081-C-A.
Other names: short protein forms G319*.
Identifiers: ClinVar variation 3242050 (VCV003242050.1), dbSNP rs1454083299.